The following is an entry in ClinVar:

ClinVar aggregate classification (germline): Likely benign (1 of 4 stars; one submission).

Conditions:
Atypical hemolytic-uremic syndrome. Identifiers: Orphanet 2134, MedGen C2931788, MONDO:0016244.
Age related macular degeneration 4. Identifiers: MedGen C1853147, MONDO:0012540, OMIM 610698.
Basal laminar drusen. Also called: DRUSEN OF BRUCH MEMBRANE; DRUSEN, CUTICULAR; DRUSEN, EARLY ADULT-ONSET, GROUPED. Identifiers: Orphanet 75376, MedGen C0730295, MONDO:0007472, OMIM 126700.
Factor H deficiency (CFHD). Also called: COMPLEMENT FACTOR H DEFICIENCY; CFH DEFICIENCY. Identifiers: Orphanet 200421, MedGen C0398777, MONDO:0012350, OMIM 609814.

Submission:

Genomenon, Inc
Classification: Likely benign for Age related macular degeneration 4; Atypical hemolytic-uremic syndrome; Factor H deficiency; Basal laminar drusen. Last evaluated: 2026-09-17. Review status: criteria provided, single submitter. Criteria: Genomenon Sequence Variant Interpretation Standards - Updated. Collection method: curation. Allele origin: germline. Affected: no.
Comment: CFH c.1159+13C>T is an intronic variant located in intron 8. This variant has been reported in the published literature (PMID: 36211394). It is absent or not present at a significant frequency in gnomAD. This variant is not predicted to impact splicing. In conclusion, we classify CFH c.1159+13C>T as a likely benign variant.

Literature cited by the submitters: PubMed 36211394.

NM_000186.4(CFH):c.1159+13C>T

Gene: CFH (complement factor H; plus strand). Cytogenetic location: 1q31.3.
Variant type: single nucleotide variant.
Coding change: c.1159+13C>T on transcript NM_000186.4 (MANE Select); 13 bases into the intron after coding-DNA position 1159, C replaced by T.
Molecular consequence: intron variant.
Genome position (GRCh38, 1-based): chr1:196,689,627, C>T. VCF-style: chr1-196689627-C-T. GRCh37 (hg19) VCF-style: chr1-196658757-C-T.
Other names: c.1159+13C>T (NM_001014975.3).
Identifiers: ClinVar variation 4291367 (VCV004291367.2).